The following is an entry in ClinVar:

NM_139056.4(ADAMTS16):c.3559+8C>T

Gene: ADAMTS16 (ADAM metallopeptidase with thrombospondin type 1 motif 16; plus strand). Cytogenetic location: 5p15.32.
Variant type: single nucleotide variant.
Coding change: c.3559+8C>T on transcript NM_139056.4 (MANE Select); 8 bases into the intron after coding-DNA position 3559, C replaced by T.
Molecular consequence: intron variant.
Genome position (GRCh38, 1-based): chr5:5,318,289, C>T. VCF-style: chr5-5318289-C-T. GRCh37 (hg19) VCF-style: chr5-5318402-C-T.
Identifiers: ClinVar variation 2655287 (VCV002655287.24), dbSNP rs149219536, ClinGen allele CA3190397.

ClinVar aggregate classification (germline): Likely benign (1 of 4 stars; one submission).

Allele frequency attached by ClinVar (database versions not stated): 1000 Genomes Project 30x 0.00109; 1000 Genomes Project 0.00120; ExAC 0.00153; gnomAD 0.00190; TOPMed 0.00191; ESP Exome Variant Server 0.00271; gnomAD exomes 0.00357.
gnomAD v4.1: 4,842 of 1,429,622 alleles (0.34%); highest among the groups gnomAD compares: Non-Finnish European, 0.42%; 17 homozygotes.

Submission:

CeGaT Center for Human Genetics Tuebingen
Classification: Likely benign. Last evaluated: 2023-02-01. Review status: criteria provided, single submitter. Criteria: CeGaT Center For Human Genetics Tuebingen Variant Classification Criteria Version 2. Collection method: clinical testing. Allele origin: germline. Affected: yes. Observed: 1 variant allele.
Comment: ADAMTS16: BP4